The following is an entry in ClinVar:

ClinVar aggregate classification (germline): Uncertain significance (1 of 4 stars; one submission).

Conditions:
Pyridoxal phosphate-responsive seizures (PNPOD). Also called: EPILEPTIC ENCEPHALOPATHY, NEONATAL, PNPO-RELATED; SEIZURES, PYRIDOXINE-RESISTANT, PLP-SENSITIVE; Pyridoxal 5'-Phosphate (PLP)-Dependent Epilepsy; Pyridoxamine 5-Prime-Phosphate Oxidase Deficiency; Pyridoxine-5'-phosphate oxidase deficiency. Identifiers: Orphanet 79096, MedGen C1864723, MONDO:0012407, OMIM 610090. Disease mechanism: loss of function.

Allele frequency attached by ClinVar (database versions not stated): gnomAD exomes below 0.00001; ExAC 0.00001.

Submission:

Labcorp Genetics (formerly Invitae), Labcorp
Classification: Uncertain significance for Pyridoxal phosphate-responsive seizures. Last evaluated: 2022-06-04. Review status: criteria provided, single submitter. Criteria: Invitae Variant Classification Sherloc (09022015). Collection method: clinical testing. Allele origin: germline.
Comment: This sequence change replaces aspartic acid, which is acidic and polar, with glutamic acid, which is acidic and polar, at codon 253 of the PNPO protein (p.Asp253Glu). This variant is present in population databases (rs757023013, gnomAD 0.0009%). This variant has not been reported in the literature in individuals affected with PNPO-related conditions. ClinVar contains an entry for this variant (Variation ID: 575834). Algorithms developed to predict the effect of missense changes on protein structure and function (SIFT, PolyPhen-2, Align-GVGD) all suggest that this variant is likely to be tolerated. In summary, the available evidence is currently insufficient to determine the role of this variant in disease. Therefore, it has been classified as a Variant of Uncertain Significance.

NM_018129.4(PNPO):c.759C>G (p.Asp253Glu)

Gene: PNPO (pyridoxamine 5'-phosphate oxidase; plus strand). Cytogenetic location: 17q21.32.
Variant type: single nucleotide variant.
Coding change: c.759C>G on transcript NM_018129.4 (MANE Select); coding-DNA position 759, C replaced by G.
Protein change: p.Asp253Glu; replaces aspartic acid 253 with glutamic acid.
Molecular consequence: missense variant.
Genome position (GRCh38, 1-based): chr17:47,946,755, C>G. VCF-style: chr17-47946755-C-G. GRCh37 (hg19) VCF-style: chr17-46024121-C-G.
Other names: short protein forms D253E.
Identifiers: ClinVar variation 575834 (VCV000575834.7), dbSNP rs757023013, ClinGen allele CA8629275.